The following is an entry in ClinVar:

NM_001563.4(IMPG1):c.1612G>A (p.Glu538Lys)

Gene: IMPG1 (interphotoreceptor matrix proteoglycan 1; minus strand). Cytogenetic location: 6q14.1.
Variant type: single nucleotide variant.
Coding change: c.1612G>A on transcript NM_001563.4 (MANE Select); coding-DNA position 1612, G replaced by A.
Protein change: p.Glu538Lys; replaces glutamic acid 538 with lysine.
Molecular consequence: missense variant.
Genome position (GRCh38, 1-based): chr6:75,950,774, C>T on the plus strand (G>A on the coding strand, the complement: IMPG1 is on the minus strand). VCF-style: chr6-75950774-C-T. GRCh37 (hg19) VCF-style: chr6-76660491-C-T.
Other names: c.1378G>A, p.Glu460Lys (NM_001282368.2); c.1612G>A (NM_001563.3); short protein forms E538K, E460K.
Identifiers: ClinVar variation 2067181 (VCV002067181.6), dbSNP rs759545902, ClinGen allele CA3898081.

ClinVar aggregate classification (germline): Uncertain significance. Review status: criteria provided, multiple submitters, no conflicts (2 of 4 stars). 3 submissions from 3 submitters: Uncertain significance (3). Last evaluated 2024-12-04.

Conditions:
IMPG1-related disorder. Also called: IMPG1-related condition.

Allele frequency attached by ClinVar (database versions not stated): TOPMed 0.00002; gnomAD exomes 0.00003; ExAC 0.00006.
gnomAD v4.1: 37 of 1,613,890 alleles (0.0023%); highest among the groups gnomAD compares: Middle Eastern, 0.033%; no homozygotes.

Submissions (3):

PreventionGenetics, part of Exact Sciences
Classification: Uncertain significance for IMPG1-related condition. Last evaluated: 2024-12-04. Review status: criteria provided, single submitter. Criteria: ACMG Guidelines, 2015. Collection method: clinical testing. Allele origin: germline.
Comment: The IMPG1 c.1612G>A variant is predicted to result in the amino acid substitution p.Glu538Lys. To our knowledge, this variant has not been reported in the literature. This variant is reported in 0.016% of alleles in individuals of South Asian descent in gnomAD. At this time, the clinical significance of this variant is uncertain due to the absence of conclusive functional and genetic evidence.

Labcorp Genetics (formerly Invitae), Labcorp
Classification: Uncertain significance. Last evaluated: 2024-12-02. Review status: criteria provided, single submitter. Criteria: Invitae Variant Classification Sherloc (09022015). Collection method: clinical testing. Allele origin: germline.
Comment: This sequence change replaces glutamic acid, which is acidic and polar, with lysine, which is basic and polar, at codon 538 of the IMPG1 protein (p.Glu538Lys). This variant is present in population databases (rs759545902, gnomAD 0.02%). This variant has not been reported in the literature in individuals affected with IMPG1-related conditions. ClinVar contains an entry for this variant (Variation ID: 2067181). An algorithm developed to predict the effect of missense changes on protein structure and function (PolyPhen-2) suggests that this variant is likely to be tolerated. In summary, the available evidence is currently insufficient to determine the role of this variant in disease. Therefore, it has been classified as a Variant of Uncertain Significance.

Ambry Genetics
Classification: Uncertain significance. Last evaluated: 2022-11-10. Review status: criteria provided, single submitter. Criteria: Ambry Variant Classification Scheme 2023. Collection method: clinical testing. Allele origin: germline.